The following is an entry in ClinVar:

NM_007194.4(CHEK2):c.95C>T (p.Ser32Phe)

Gene: CHEK2 (checkpoint kinase 2; minus strand). Cytogenetic location: 22q12.1.
Variant type: single nucleotide variant.
Coding change: c.95C>T on transcript NM_007194.4 (MANE Select); coding-DNA position 95, C replaced by T.
Protein change: p.Ser32Phe; replaces serine 32 with phenylalanine.
Molecular consequence: missense variant. On other transcripts: 5 prime UTR variant (1), intron variant (1).
Genome position (GRCh38, 1-based): chr22:28,734,627, G>A on the plus strand (C>T on the coding strand, the complement: CHEK2 is on the minus strand). VCF-style: chr22-28734627-G-A. GRCh37 (hg19) VCF-style: chr22-29130615-G-A.
Other names: c.95C>T, p.Ser32Phe (NM_001005735.3, NM_001349956.3, NM_001438293.1 and 3 more transcripts); c.-683C>T (NM_001257387.3); c.-345+7142C>T (NM_001437942.1); short protein forms S32F.
Identifiers: ClinVar variation 4868943 (VCV004868943.1).

ClinVar aggregate classification (germline): Uncertain significance (1 of 4 stars; one submission).

Conditions:
Hereditary cancer-predisposing syndrome. Also called: Neoplastic Syndromes, Hereditary; Tumor predisposition; Hereditary Cancer Syndrome; Hereditary neoplastic syndrome. Identifiers: Orphanet 140162, MedGen C0027672, MeSH D009386, MONDO:0015356.

Submission:

Ambry Genetics
Classification: Uncertain significance for Hereditary cancer-predisposing syndrome. Last evaluated: 2026-05-30. Review status: criteria provided, single submitter. Criteria: Ambry Variant Classification Scheme 2023. Collection method: clinical testing. Allele origin: germline.
Comment: The p.S32F variant (also known as c.95C>T), located in coding exon 1 of the CHEK2 gene, results from a C to T substitution at nucleotide position 95. The serine at codon 32 is replaced by phenylalanine, an amino acid with highly dissimilar properties. This amino acid position is conserved. In addition, the in silico prediction for this alteration is inconclusive. Based on the available evidence, the clinical significance of this variant remains unclear.